The following is an entry in ClinVar:

ClinVar aggregate classification (germline): Likely benign. Review status: criteria provided, multiple submitters, no conflicts (2 of 4 stars). 3 submissions from 3 submitters: Likely benign (3). Last evaluated 2023-11-08.

Conditions:
Aortic aneurysm, familial thoracic 4 (AAT4). Also called: AORTIC ANEURYSM/AORTIC DISSECTION AND PATENT DUCTUS ARTERIOSUS. Identifiers: MedGen C1851504, MONDO:0007568, OMIM 132900.
Familial thoracic aortic aneurysm and aortic dissection (TAAD). Also called: Thoracic aortic aneurysms and dissections. Identifiers: Orphanet 91387, MedGen C4707243, MONDO:0019625.

Allele frequency attached by ClinVar (database versions not stated): TOPMed below 0.00001; ExAC 0.00001; gnomAD 0.00001; gnomAD exomes 0.00001.
gnomAD v4.1: 7 of 1,613,970 alleles (0.00043%); highest among the groups gnomAD compares: Admixed American, 0.005%; no homozygotes.

Submissions (3):

Labcorp Genetics (formerly Invitae), Labcorp
Classification: Likely benign for Aortic aneurysm, familial thoracic 4. Last evaluated: 2023-11-08. Review status: criteria provided, single submitter. Criteria: Invitae Variant Classification Sherloc (09022015). Collection method: clinical testing. Allele origin: germline.

All of Us Research Program, National Institutes of Health
Classification: Likely benign for Familial thoracic aortic aneurysm and aortic dissection. Last evaluated: 2023-09-17. Review status: criteria provided, single submitter. Criteria: ACMG Guidelines, 2015. Collection method: clinical testing. Allele origin: germline. Inheritance: Autosomal dominant inheritance. Observed: 2 variant alleles, 2 heterozygotes.
Comment: This study involves interpretation of variants in research participants for the purpose of population health screening. Participant phenotype was not available at the time of variant classification. Additional details can be found in publication PMID: 35346344, PMCID: PMC8962531

Color Diagnostics, LLC DBA Color Health
Classification: Likely benign for Familial thoracic aortic aneurysm and aortic dissection. Last evaluated: 2021-01-05. Review status: criteria provided, single submitter. Criteria: ACMG Guidelines, 2015. Collection method: clinical testing. Allele origin: germline.

NM_002474.3(MYH11):c.4602G>A (p.Lys1534=)

Genes: NDE1 (nudE neurodevelopment protein 1; plus strand), MYH11 (myosin heavy chain 11; minus strand). Cytogenetic location: 16p13.11.
Variant type: single nucleotide variant.
Coding change: c.4602G>A on transcript NM_002474.3 (MANE Select); coding-DNA position 4602, G replaced by A.
Protein change: p.Lys1534=; no amino-acid change (lysine 1534 retained).
Molecular consequence: synonymous variant. On other transcripts: intron variant (2).
Genome position (GRCh38, 1-based): chr16:15,721,028, C>T on the plus strand (G>A on the coding strand, the complement: MYH11 is on the minus strand). VCF-style: chr16-15721028-C-T. GRCh37 (hg19) VCF-style: chr16-15814885-C-T.
Other names: c.4623G>A, p.Lys1541= (NM_001040113.2, NM_001040114.2); c.4602G>A, p.Lys1534= (NM_022844.3); c.948-3163C>T (NM_001143979.2, NM_017668.3).
Identifiers: ClinVar variation 1172167 (VCV001172167.11), dbSNP rs777186791, ClinGen allele CA7921609.
Genomic context (GRCh38, chr16:15,721,028, plus strand): 5'-CTCGTCCTCCAGCTCTTCCAGCTGCGTCTTCATCTCCTCCATCTGGGTCTCCAGGGCCCG[C>T]TTGGACTTCTCCAGCTCATGGACCTGCCGGCAGAGCGGGCAGCCCCATTCTATGAGGCTC-3'
Protein context (NP_002465.1, residues 1524-1544): GKNVHELEKS[Lys1534=]RALETQMEEM